The following is an entry in ClinVar:

ClinVar aggregate classification (germline): Conflicting classifications of pathogenicity. Review status: criteria provided, conflicting classifications (1 of 4 stars). 6 submissions from 6 submitters: Uncertain significance (1); Likely benign (3). 2 of the submissions do not count toward it. Last evaluated 2026-04-20.

Conditions:
Combined immunodeficiency due to MALT1 deficiency. Also called: Immunodeficiency 12. Identifiers: Orphanet 397964, MedGen C3809583, MONDO:0014197, OMIM 615468.

Allele frequency attached by ClinVar (database versions not stated): gnomAD exomes 0.00081 and 0.00098; gnomAD 0.00086 and 0.00088; ExAC 0.00087; TOPMed 0.00087; ESP Exome Variant Server 0.00092.
gnomAD v4.1: 1,507 of 1,577,662 alleles (0.096%); highest among the groups gnomAD compares: Admixed American, 0.15%; 1 homozygote.

Submissions (6):

Women's Health and Genetics/Laboratory Corporation of America, LabCorp
Classification: Likely benign. Last evaluated: 2026-04-20. Review status: criteria provided, single submitter. Criteria: LabCorp Variant Classification Summary - May 2015. Collection method: clinical testing. Allele origin: germline.

Labcorp Genetics (formerly Invitae), Labcorp
Classification: Likely benign for Combined immunodeficiency due to MALT1 deficiency. Last evaluated: 2026-02-01. Review status: criteria provided, single submitter. Criteria: Invitae Variant Classification Sherloc (09022015). Collection method: clinical testing. Allele origin: germline.

Blueprint Genetics
Classification: Likely benign. Last evaluated: 2024-10-02. Review status: criteria provided, single submitter. Criteria: ACMG Guidelines, 2015. Collection method: clinical testing. Allele origin: germline.

Baylor Genetics
Classification: Uncertain significance for Combined immunodeficiency due to MALT1 deficiency. Last evaluated: 2018-07-29. Review status: criteria provided, single submitter. Criteria: ACMG Guidelines, 2015. Collection method: clinical testing. Allele origin: maternal. Affected: yes.
Comment: This variant was determined to be of uncertain significance according to ACMG Guidelines, 2015 [PMID:25741868].

Clinical Genetics DNA and cytogenetics Diagnostics Lab, Erasmus MC, Erasmus Medical Center
Classification: Likely benign. Review status: no assertion criteria provided. Collection method: clinical testing. Allele origin: germline. Affected: yes. Study: VKGL Data-share Consensus. Not counted in ClinVar's aggregate classification.

Genome Diagnostics Laboratory, University Medical Center Utrecht
Classification: Likely benign. Review status: no assertion criteria provided. Collection method: clinical testing. Allele origin: germline. Affected: yes. Study: VKGL Data-share Consensus. Not counted in ClinVar's aggregate classification.

NM_006785.4(MALT1):c.649+9C>T

Gene: MALT1 (MALT1 paracaspase; plus strand). Cytogenetic location: 18q21.32.
Variant type: single nucleotide variant.
Coding change: c.649+9C>T on transcript NM_006785.4 (MANE Select); 9 bases into the intron after coding-DNA position 649, C replaced by T.
Molecular consequence: intron variant.
Genome position (GRCh38, 1-based): chr18:58,700,600, C>T. VCF-style: chr18-58700600-C-T. GRCh37 (hg19) VCF-style: chr18-56367832-C-T.
Other names: c.649+9C>T (NM_173844.3, LRG_1221t1).
Identifiers: ClinVar variation 474596 (VCV000474596.18), dbSNP rs200919386, ClinGen allele CA8977675.